The following is an entry in ClinVar:

ClinVar aggregate classification (germline): Conflicting classifications of pathogenicity. Review status: criteria provided, conflicting classifications (1 of 4 stars). 2 submissions from 2 submitters: Uncertain significance (1); Likely benign (1). Last evaluated 2025-02-03.

Allele frequency attached by ClinVar (database versions not stated): ExAC 0.00005; 1000 Genomes Project 30x 0.00016; TOPMed 0.00018; gnomAD 0.00022 and 0.00024; ESP Exome Variant Server 0.00031.
gnomAD v4.1: 59 of 1,613,592 alleles (0.0037%); highest among the groups gnomAD compares: African/African-American, 0.063%; no homozygotes.

Submissions (2):

Labcorp Genetics (formerly Invitae), Labcorp
Classification: Uncertain significance. Last evaluated: 2025-02-03. Review status: criteria provided, single submitter. Criteria: Invitae Variant Classification Sherloc (09022015). Collection method: clinical testing. Allele origin: germline.
Comment: This sequence change replaces serine, which is neutral and polar, with arginine, which is basic and polar, at codon 484 of the P3H2 protein (p.Ser484Arg). This variant is present in population databases (rs34111865, gnomAD 0.08%). This variant has not been reported in the literature in individuals affected with P3H2-related conditions. ClinVar contains an entry for this variant (Variation ID: 964603). An algorithm developed to predict the effect of missense changes on protein structure and function outputs the following: PolyPhen-2: "Benign". The arginine amino acid residue is found in multiple mammalian species, which suggests that this missense change does not adversely affect protein function. In summary, the available evidence is currently insufficient to determine the role of this variant in disease. Therefore, it has been classified as a Variant of Uncertain Significance.

Blueprint Genetics
Classification: Likely benign. Last evaluated: 2023-12-05. Review status: criteria provided, single submitter. Criteria: ACMG Guidelines, 2015. Collection method: clinical testing. Allele origin: germline.

NM_018192.4(P3H2):c.1452T>A (p.Ser484Arg)

Gene: P3H2 (prolyl 3-hydroxylase 2; minus strand). Cytogenetic location: 3q28.
Variant type: single nucleotide variant.
Coding change: c.1452T>A on transcript NM_018192.4 (MANE Select); coding-DNA position 1452, T replaced by A.
Protein change: p.Ser484Arg; replaces serine 484 with arginine.
Molecular consequence: missense variant.
Genome position (GRCh38, 1-based): chr3:189,974,558, A>T on the plus strand (T>A on the coding strand, the complement: P3H2 is on the minus strand). VCF-style: chr3-189974558-A-T. GRCh37 (hg19) VCF-style: chr3-189692347-A-T.
Other names: c.909T>A, p.Ser303Arg (NM_001134418.2); short protein forms S303R, S484R.
Identifiers: ClinVar variation 964603 (VCV000964603.8), dbSNP rs34111865, ClinGen allele CA2752926.